The following is an entry in ClinVar:

ClinVar aggregate classification (germline): Uncertain significance. Review status: criteria provided, multiple submitters, no conflicts (2 of 4 stars). 2 submissions from 2 submitters: Uncertain significance (2). Last evaluated 2023-08-10.

Conditions:
Inborn genetic diseases. Identifiers: MedGen C0950123, MeSH D030342.

Allele frequency attached by ClinVar (database versions not stated): gnomAD exomes below 0.00001; TOPMed below 0.00001; gnomAD 0.00002.
gnomAD v4.1: 4 of 1,613,520 alleles (0.00025%); highest among the groups gnomAD compares: African/African-American, 0.0027%; no homozygotes.

Submissions (2):

Labcorp Genetics (formerly Invitae), Labcorp
Classification: Uncertain significance. Last evaluated: 2023-08-10. Review status: criteria provided, single submitter. Criteria: Invitae Variant Classification Sherloc (09022015). Collection method: clinical testing. Allele origin: germline.
Comment: In summary, the available evidence is currently insufficient to determine the role of this variant in disease. Therefore, it has been classified as a Variant of Uncertain Significance. An algorithm developed to predict the effect of missense changes on protein structure and function (PolyPhen-2) suggests that this variant is likely to be tolerated. ClinVar contains an entry for this variant (Variation ID: 2174958). This variant has not been reported in the literature in individuals affected with SPEG-related conditions. This variant is present in population databases (no rsID available, gnomAD 0.02%). This sequence change replaces proline, which is neutral and non-polar, with serine, which is neutral and polar, at codon 2230 of the SPEG protein (p.Pro2230Ser).

Ambry Genetics
Classification: Uncertain significance for Inborn genetic diseases. Last evaluated: 2022-01-18. Review status: criteria provided, single submitter. Criteria: Ambry Variant Classification Scheme 2023. Collection method: clinical testing. Allele origin: germline.

NM_005876.5(SPEG):c.6688C>T (p.Pro2230Ser)

Genes: ASIC4-AS1 (ASIC4 antisense RNA 1; minus strand), SPEG (striated muscle enriched protein kinase; plus strand). Cytogenetic location: 2q35.
Variant type: single nucleotide variant.
Coding change: c.6688C>T on transcript NM_005876.5 (MANE Select); coding-DNA position 6688, C replaced by T.
Protein change: p.Pro2230Ser; replaces proline 2230 with serine.
Molecular consequence: missense variant.
Genome position (GRCh38, 1-based): chr2:219,484,151, C>T. VCF-style: chr2-219484151-C-T. GRCh37 (hg19) VCF-style: chr2-220348873-C-T.
Other names: c.6688C>T (NM_005876.4); short protein forms P2230S.
Identifiers: ClinVar variation 2174958 (VCV002174958.5), dbSNP rs1177590038, ClinGen allele CA350698931.
Genomic context (GRCh38, chr2:219,484,151, plus strand): 5'-CCTGCCCAAGACAAGGCTCCAGAGCCCAGGCCAGAACCAGTCCGAGCCTCCAAGCCTGCA[C>T]CACCCCCCCAGGCCCTGCAAACCCTAGCGCTGCCCCTCACACCCTATGCTCAGATCATTC-3'
Protein context (NP_005867.3, residues 2220-2240): PEPVRASKPA[Pro2230Ser]PPQALQTLAL